The following is an entry in ClinVar:

ClinVar aggregate classification (germline): Likely benign. Review status: criteria provided, single submitter (1 of 4 stars). 2 submissions from 2 submitters: Likely benign (1). 1 of the submissions does not count toward it. Last evaluated 2023-05-03.

Conditions:
Inborn genetic diseases. Identifiers: MedGen C0950123, MeSH D030342.
ZNF292-related disorder. Also called: ZNF292-related condition.

Allele frequency attached by ClinVar (database versions not stated): TOPMed 0.00024; ExAC 0.00039; 1000 Genomes Project 0.00100; 1000 Genomes Project 30x 0.00172.
gnomAD v4.1: 224 of 1,613,678 alleles (0.014%); highest among the groups gnomAD compares: East Asian, 0.36%; no homozygotes.

Submissions (2):

Ambry Genetics
Classification: Likely benign for Inborn genetic diseases. Last evaluated: 2023-05-03. Review status: criteria provided, single submitter. Criteria: Ambry Variant Classification Scheme 2023. Collection method: clinical testing. Allele origin: germline.

PreventionGenetics, part of Exact Sciences
Classification: Likely benign for ZNF292-related condition. Last evaluated: 2019-12-09. Review status: no assertion criteria provided. Collection method: clinical testing. Allele origin: germline. Not counted in ClinVar's aggregate classification.
Comment: This variant is classified as likely benign based on ACMG/AMP sequence variant interpretation guidelines (Richards et al. 2015 PMID: 25741868, with internal and published modifications).

NM_015021.3(ZNF292):c.4745A>G (p.Asn1582Ser)

Gene: ZNF292 (zinc finger protein 292; plus strand). Cytogenetic location: 6q14.3.
Variant type: single nucleotide variant.
Coding change: c.4745A>G on transcript NM_015021.3 (MANE Select); coding-DNA position 4745, A replaced by G.
Protein change: p.Asn1582Ser; replaces asparagine 1582 with serine.
Molecular consequence: missense variant.
Genome position (GRCh38, 1-based): chr6:87,258,374, A>G. VCF-style: chr6-87258374-A-G. GRCh37 (hg19) VCF-style: chr6-87968092-A-G.
Other names: c.4325A>G, p.Asn1442Ser (NM_001351444.2); short protein forms N1442S, N1582S.
Identifiers: ClinVar variation 2569859 (VCV002569859.4), dbSNP rs144735449, ClinGen allele CA3914361.